The following is an entry in ClinVar:

NM_005502.4(ABCA1):c.3680A>T (p.Asp1227Val)

Gene: ABCA1 (ATP binding cassette subfamily A member 1; minus strand). Cytogenetic location: 9q31.1.
Variant type: single nucleotide variant.
Coding change: c.3680A>T on transcript NM_005502.4 (MANE Select); coding-DNA position 3680, A replaced by T.
Protein change: p.Asp1227Val; replaces aspartic acid 1227 with valine.
Molecular consequence: missense variant.
Genome position (GRCh38, 1-based): chr9:104,816,201, T>A on the plus strand (A>T on the coding strand, the complement: ABCA1 is on the minus strand). VCF-style: chr9-104816201-T-A. GRCh37 (hg19) VCF-style: chr9-107578482-T-A.
Other names: short protein forms D1227V.
Identifiers: ClinVar variation 4235507 (VCV004235507.1).
Genomic context (GRCh38, chr9:104,816,201, plus strand): 5'-ACTTCTTCCAGGGTCGTCTCTGAGATGCCATAACTAGAAATGCCCAGGTCTGAGAGCCGG[T>A]CATCAATCTCATGAAAGAGTTCCACAAAGGCTCCCTCCTTAGCAGCTTCATATGGCAGCA-3'
Protein context (NP_005493.2, residues 1217-1237): AFVELFHEID[Asp1227Val]RLSDLGISSY

ClinVar aggregate classification (germline): Uncertain significance (1 of 4 stars; one submission).

Conditions:
Cardiovascular phenotype. Identifiers: MedGen CN230736.

gnomAD v4.1: 3 of 1,614,124 alleles (0.00019%); highest among the groups gnomAD compares: Admixed American, 0.005%; no homozygotes.

Submission:

Ambry Genetics
Classification: Uncertain significance for Cardiovascular phenotype. Last evaluated: 2025-07-30. Review status: criteria provided, single submitter. Criteria: Ambry Variant Classification Scheme 2023. Collection method: clinical testing. Allele origin: germline.
Comment: The p.D1227V variant (also known as c.3680A>T), located in coding exon 24 of the ABCA1 gene, results from an A to T substitution at nucleotide position 3680. The aspartic acid at codon 1227 is replaced by valine, an amino acid with highly dissimilar properties. This amino acid position is conserved. In addition, the in silico prediction for this alteration is inconclusive. Based on the available evidence, the clinical significance of this variant remains unclear.